The following is an entry in ClinVar:

ClinVar aggregate classification (germline): Pathogenic/Likely pathogenic. Review status: criteria provided, multiple submitters, no conflicts (2 of 4 stars). 9 submissions from 9 submitters: Pathogenic (7); Likely pathogenic (1). 1 of the submissions does not count toward it. Last evaluated 2026-06-22.

Conditions:
CNGB3-related disorder. Also called: CNGB3-related disorders; CNGB3-related condition. Identifiers: MedGen CN239340.
Achromatopsia. Also called: Rod monochromatism. Identifiers: Orphanet 49382, MedGen C0152200, MONDO:0018852, HP:0011516.
Retinal dystrophy. Also called: Inherited retinal dystrophy. Identifiers: Orphanet 71862, MedGen C0854723, MeSH D058499, MONDO:0019118, HP:0000556.
Achromatopsia 3 (ACHM3). Also called: ACHROMATOPSIA WITH MYOPIA; ROD MONOCHROMACY 1; ROD MONOCHROMATISM 1; PINGELAPESE BLINDNESS; TOTAL COLORBLINDNESS WITH MYOPIA. Identifiers: Orphanet 49382, MedGen C1849792, MONDO:0009875, OMIM 262300.

Submissions (9):

Women's Health and Genetics/Laboratory Corporation of America, LabCorp
Classification: Pathogenic for Achromatopsia 3. Last evaluated: 2026-06-22. Review status: criteria provided, single submitter. Criteria: LabCorp Variant Classification Summary - May 2015. Collection method: clinical testing. Allele origin: germline.
Comment: Variant summary: CNGB3 c.886_896delinsT (p.Thr296TyrfsX9) results in a premature termination codon, predicted to cause a truncation of the encoded protein or absence of the protein due to nonsense mediated decay, which are commonly known mechanisms for disease. The variant was absent in 1601020 control chromosomes. c.886_896delinsT has been observed in multiple individuals with a compound heterozygous genotype affected with Achromatopsia (e.g. Kohl_2005). These data indicate that the variant is very likely to be associated with disease. To our knowledge, no experimental evidence demonstrating an impact on protein function has been reported. The following publication has been ascertained in the context of this evaluation (PMID: 15657609). ClinVar contains an entry for this variant (Variation ID: 363876). Based on the evidence outlined above, the variant was classified as pathogenic.

PreventionGenetics, part of Exact Sciences
Classification: Pathogenic for CNGB3-related condition. Last evaluated: 2026-06-17. Review status: criteria provided, single submitter. Criteria: ACMG Guidelines, 2015. Collection method: clinical testing. Allele origin: germline.
Comment: The CNGB3 c.886_896delinsT variant is predicted to result in a frameshift and premature protein termination (p.Thr296Tyrfs*9). This variant has been reported in the compound heterozygous state in individuals with achromatopsia and/or cone dystrophy (Kohl et al. 2005. PubMed ID: 15657609; Thiadens et al. 2010. PubMed ID: 20079539; Weisschuh et al 2020. PubMed ID: 32531858; Table S2, Del Pozo-Valero et al. 2022. PubMed ID: 35119454). This variant has not been reported in the large population database gnomAD, indicating this variant is rare. Frameshift variants in CNGB3 are an established mechanism of disease. Given the evidence, we interpret this variant as pathogenic.

Labcorp Genetics (formerly Invitae), Labcorp
Classification: Pathogenic. Last evaluated: 2026-01-11. Review status: criteria provided, single submitter. Criteria: Invitae Variant Classification Sherloc (09022015). Collection method: clinical testing. Allele origin: germline.
Comment: This sequence change creates a premature translational stop signal (p.Thr296Tyrfs*9) in the CNGB3 gene. It is expected to result in an absent or disrupted protein product. Loss-of-function variants in CNGB3 are known to be pathogenic (PMID: 28795510). Information on the frequency of this variant in the gnomAD database is not available, as this variant may be reported differently in the database. This premature translational stop signal has been observed in individual(s) with achromatopsia (PMID: 15657609, 20079539, 23362848). In at least one individual the data is consistent with being in trans (on the opposite chromosome) from a pathogenic variant. For these reasons, this variant has been classified as Pathogenic.

Natera, Inc.
Classification: Pathogenic for Achromatopsia. Last evaluated: 2025-11-03. Review status: criteria provided, single submitter. Criteria: Natera Variant Classification Schema (03/2026). Collection method: clinical testing. Allele origin: germline.
Comment: The c.886_896delACTTCTACAAAinsT variant in CNGB3 is a frameshift variant predicted to shift the reading frame beginning at codon 296 and leads to a stop codon 9 codons downstream. This variant is expected to result in nonsense mediated decay, truncation, or a dysfunctional protein product. This variant is rare in the general population with a frequency below the threshold expected for the associated phenotype(s). This variant has been observed in one or more individuals affected with the associated recessive disease, as either homozygous or compound heterozygous with a second variant (PMID: 31544997). Given the available evidence, this variant is classified as Pathogenic.

Fulgent Genetics
Classification: Pathogenic for Achromatopsia 3. Last evaluated: 2024-05-13. Review status: criteria provided, single submitter. Criteria: ACMG Guidelines, 2015. Collection method: clinical testing. Allele origin: germline.

Institute of Human Genetics, Univ. Regensburg, Univ. Regensburg
Classification: Pathogenic for Retinal dystrophy. Last evaluated: 2022-01-01. Review status: criteria provided, single submitter. Criteria: ACMG Guidelines, 2015. Collection method: clinical testing. Allele origin: germline. Affected: yes.

GeneDx
Classification: Pathogenic. Last evaluated: 2019-01-21. Review status: criteria provided, single submitter. Criteria: GeneDx Variant Classification (06012015). Collection method: clinical testing. Allele origin: germline. Affected: yes.
Comment: The c.886_896del11insT variant in the CNGB3 gene has been reported previously in association with achromatopsia and progressive cone dystrophy (Thiadens et al., 2010; Kohl et al., 2005). This variant causes a frameshift starting with codon Threonine 296, changes this amino acid to a Tyrosine residue, and creates a premature Stop codon at position 9 of the new reading frame, denoted p.Thr296TyrfsX9. This variant is predicted to cause loss of normal protein function either through protein truncation or nonsense-mediated mRNA decay. The c.886_896del11insT variant is not observed in large population cohorts (Lek et al., 2016). We interpret c.886_896del11insT as a pathogenic variant.

Illumina Laboratory Services, Illumina
Classification: Likely pathogenic for CNGB3-Related Disorders. Last evaluated: 2017-04-28. Review status: criteria provided, single submitter. Criteria: ICSL Variant Classification Criteria 09 May 2019. Collection method: clinical testing. Allele origin: germline.
Comment: The CNGB3 c.886_896delACTTCTACAAAinsT (p.Thr296TyrfsTer9) variant is a frameshift variant that is predicted to result in premature termination of the protein. The variant has been reported in a total of seven individuals with achromatopsia, including six who were compound heterozygous for the variant and one who was heterozygous without a second identified variant (Kohl et al. 2005). The variant has not been reported in association with Stargardt disease, though Thiadens et al. (2010) reported two unrelated individuals with autosomal recessive progressive cone dystrophy who were both compound heterozygous for the p.Thr296TyrfsTer9 variant and a second null variant. An unaffected parent and an unaffected child of one of the individuals were both heterozygous. The p.Thr296TyrfsTer9 variant was absent from 100 controls and is not found in the 1000 Genomes Project, the Exome Sequencing Project, or the Exome Aggregation Consortium. Based on the evidence from the literature and the potential impact of frameshift variants, the p.Thr296TyrfsTer9 variant is classified as pathogenic for CNGB3-related disorders. This variant was observed by ICSL as part of a predisposition screen in an ostensibly healthy population.

Molecular Genetics Laboratory, Institute for Ophthalmic Research
Classification: Pathogenic for ACHM3. Last evaluated: 2017-03-27. Review status: no assertion criteria provided. Collection method: research. Allele origin: germline. Affected: yes. Not counted in ClinVar's aggregate classification.

Literature cited by the submitters: PubMed 15657609 (cited by 3 submitters); PubMed 28795510 (cited by Labcorp Genetics (formerly Invitae), Labcorp and Molecular Genetics Laboratory, Institute for Ophthalmic Research); PubMed 20079539 (cited by Labcorp Genetics (formerly Invitae), Labcorp); PubMed 23362848 (cited by Labcorp Genetics (formerly Invitae), Labcorp); PubMed 31544997 (cited by Natera, Inc.).

NM_019098.5(CNGB3):c.886_896delinsT (p.Thr296fs)

Gene: CNGB3 (cyclic nucleotide gated channel subunit beta 3; minus strand). Cytogenetic location: 8q21.3.
Variant type: Indel.
Coding change: c.886_896delinsT on transcript NM_019098.5 (MANE Select); coding-DNA positions 886 to 896, ACTTCTACAAA replaced by T.
Protein change: p.Thr296fs; shifts the reading frame from threonine 296.
Molecular consequence: frameshift variant.
Genome position (GRCh38, 1-based): chr8:86,654,019-86,654,029, TTTGTAGAAGT replaced by A on the plus strand (ACTTCTACAAA replaced by T on the coding strand, the reverse complement: CNGB3 is on the minus strand). VCF-style: chr8-86654019-TTTGTAGAAGT-A. GRCh37 (hg19) VCF-style: chr8-87666247-TTTGTAGAAGT-A.
Other names: c.886_896delACTTCTACAAAinsT (NM_019098.4); short protein forms T296fs.
Identifiers: ClinVar variation 363876 (VCV000363876.18), dbSNP rs886063161, ClinGen allele CA10631620.